The following is an entry in ClinVar:

NM_000143.4(FH):c.816_836del (p.Ala273_Val279del)

Gene: FH (fumarate hydratase; minus strand). Cytogenetic location: 1q43.
Variant type: Deletion.
Coding change: c.816_836del on transcript NM_000143.4 (MANE Select); coding-DNA positions 816 to 836, 21 bases deleted (CGCAGCTGGAGGCACTGCTGT).
Protein change: p.Ala273_Val279del.
Molecular consequence: inframe deletion.
Genome position (GRCh38, 1-based): chr1:241,506,071-241,506,091, ACAGCAGTGCCTCCAGCTGCG deleted on the plus strand (CGCAGCTGGAGGCACTGCTGT on the coding strand, the reverse complement: FH is on the minus strand); deleting any 21 consecutive bases within chr1:241,506,071-241,506,092 gives the same sequence; the c. name uses the placement nearest the transcript's 3' end. VCF-style (leftmost placement, unchanged base first): chr1-241506070-AACAGCAGTGCCTCCAGCTGCG-A. GRCh37 (hg19) VCF-style: chr1-241669370-AACAGCAGTGCCTCCAGCTGCG-A.
Other names: c.816_836del21 (NM_000143.3); c.816_836delCGCAGCTGGAGGCACTGCTGT (NM_000143.3).
Identifiers: ClinVar variation 214397 (VCV000214397.8), dbSNP rs863223985, ClinGen allele CA319820.

ClinVar aggregate classification (germline): Conflicting classifications of pathogenicity. Review status: criteria provided, conflicting classifications (1 of 4 stars). 4 submissions from 4 submitters: Pathogenic (2); Likely pathogenic (1); Uncertain significance (1). Last evaluated 2025-01-23.

Conditions:
Hereditary cancer-predisposing syndrome. Also called: Tumor predisposition; Hereditary Cancer Syndrome; Hereditary neoplastic syndrome; Neoplastic Syndromes, Hereditary. Identifiers: Orphanet 140162, MedGen C0027672, MeSH D009386, MONDO:0015356.
Hereditary leiomyomatosis and renal cell cancer. Also called: LEIOMYOMA, MULTIPLE CUTANEOUS; Reed syndrome; Multiple cutaneous and uterine leiomyomatosis; Cutaneous leiomyomata with uterine leiomyomata; Leiomyoma, hereditary multiple, of skin; Multiple cutaneous and uterine leiomyomata. Identifiers: Orphanet 523, MedGen C1708350, MONDO:0007888, OMIM 150800, HP:0007437. Disease mechanism: loss of function.

Submissions (4):

Labcorp Genetics (formerly Invitae), Labcorp
Classification: Pathogenic. Last evaluated: 2025-01-23. Review status: criteria provided, single submitter. Criteria: Invitae Variant Classification Sherloc (09022015). Collection method: clinical testing. Allele origin: germline.
Comment: This variant, c.816_836del, results in the deletion of 7 amino acid(s) of the FH protein (p.Ala273_Val279del), but otherwise preserves the integrity of the reading frame. This variant is not present in population databases (gnomAD no frequency). This variant has been observed in individual(s) with paraganglioma (PMID: 30050099). ClinVar contains an entry for this variant (Variation ID: 214397). This variant disrupts a region of the FH protein in which other variant(s) (p.Gly275Glu) have been determined to be pathogenic (PMID: 20618355). This suggests that this is a clinically significant region of the protein, and that variants that disrupt it are likely to be disease-causing. For these reasons, this variant has been classified as Pathogenic.

MGZ Medical Genetics Center
Classification: Uncertain significance for Hereditary leiomyomatosis and renal cell cancer. Last evaluated: 2022-06-01. Review status: criteria provided, single submitter. Criteria: ACMG Guidelines, 2015. Collection method: clinical testing. Allele origin: germline. Affected: yes. Observed: 2 variant alleles.
Comment: ACMG criteria applied: PM4, PS4_SUP, PM2_SUP

Ambry Genetics
Classification: Likely pathogenic for Hereditary cancer-predisposing syndrome. Last evaluated: 2019-06-18. Review status: criteria provided, single submitter. Criteria: Ambry Variant Classification Scheme 2023. Collection method: clinical testing. Allele origin: germline.
Comment: The c.816_836del21 variant (also known as p.A273_V279del) is located in coding exon 6 of the FH gene. This variant results from an in-frame deletion of CGCAGCTGGAGGCACTGCTGT at nucleotide positions 816 to 836. This leads to an in-frame deletion of codons 273 to 279. Based on internal structural assessment, this alteration disrupts the structure of the FH protein complex (Ambry internal data). This amino acid region is highly conserved in available vertebrate species. Based on the majority of available evidence to date, this variant is likely to be pathogenic.

GeneDx
Classification: Pathogenic. Last evaluated: 2013-08-12. Review status: criteria provided, single submitter. Criteria: GeneDx Variant Classification (06012015). Collection method: clinical testing. Allele origin: germline. Affected: yes.
Comment: The c.816_836delCGCAGCTGGAGGCACTGCTGT mutation in the FH gene causes a deletion of seven amino acids starting with Alanine 273 and ending with Valine 279, denoted p.Ala273_Val279del. The deletion of these amino acids is expected to alter the protein structure and function. Although this mutation has not been previously reported to our knowledge. The variant is found in FH panel(s).

Literature cited by the submitters: PubMed 30050099 (cited by Labcorp Genetics (formerly Invitae), Labcorp); PubMed 20618355 (cited by Labcorp Genetics (formerly Invitae), Labcorp).